The following is an entry in ClinVar:

ClinVar aggregate classification (germline): Pathogenic (1 of 4 stars; one submission).

Allele frequency attached by ClinVar (database versions not stated): gnomAD exomes below 0.00001; TOPMed 0.00001.
gnomAD v4.1: 4 of 1,613,678 alleles (0.00025%); highest among the groups gnomAD compares: Non-Finnish European, 0.00034%; no homozygotes.

Submission:

Labcorp Genetics (formerly Invitae), Labcorp
Classification: Pathogenic. Last evaluated: 2023-05-04. Review status: criteria provided, single submitter. Criteria: Invitae Variant Classification Sherloc (09022015). Collection method: clinical testing. Allele origin: germline.
Comment: This variant is not present in population databases (gnomAD no frequency). This sequence change creates a premature translational stop signal (p.Trp445*) in the PRKN gene. While this is not anticipated to result in nonsense mediated decay, it is expected to disrupt the last 21 amino acid(s) of the PRKN protein. This premature translational stop signal has been observed in individuals with early-onset Parkinson disease (PMID: 12707451, 18951541, 32870915). For these reasons, this variant has been classified as Pathogenic. This variant disrupts a region of the PRKN protein in which other variant(s) (p.Cys446Phe) have been observed in individuals with PRKN-related conditions (PMID: 25833766). This suggests that this is a clinically significant region of the protein, and that variants that disrupt it are likely to be disease-causing. ClinVar contains an entry for this variant (Variation ID: 1459191).

Literature cited by the submitters: PubMed 12707451; PubMed 18951541; PubMed 32870915; PubMed 25833766.

NM_004562.3(PRKN):c.1334G>A (p.Trp445Ter)

Gene: PRKN (parkin RBR E3 ubiquitin protein ligase; minus strand). Cytogenetic location: 6q26.
Variant type: single nucleotide variant.
Coding change: c.1334G>A on transcript NM_004562.3 (MANE Select); coding-DNA position 1334, G replaced by A.
Protein change: p.Trp445Ter; replaces tryptophan 445 with a stop codon.
Molecular consequence: nonsense.
Genome position (GRCh38, 1-based): chr6:161,350,163, C>T on the plus strand (G>A on the coding strand, the complement: PRKN is on the minus strand). VCF-style: chr6-161350163-C-T. GRCh37 (hg19) VCF-style: chr6-161771195-C-T.
Other names: c.1250G>A, p.Trp417Ter (NM_013987.3); c.887G>A, p.Trp296Ter (NM_013988.3); short protein forms W296*, W417*, W445*.
Identifiers: ClinVar variation 1459191 (VCV001459191.6), dbSNP rs961239925, ClinGen allele CA151429475.